The following is an entry in ClinVar:

NM_007314.4(ABL2):c.*4125A>G

Gene: ABL2 (ABL proto-oncogene 2, non-receptor tyrosine kinase; minus strand). Cytogenetic location: 1q25.2.
Variant type: single nucleotide variant.
Coding change: c.*4125A>G on transcript NM_007314.4 (MANE Select); 4125 bases downstream of the stop codon, A replaced by G.
Molecular consequence: 3 prime UTR variant.
Genome position (GRCh38, 1-based): chr1:179,103,593, T>C on the plus strand (A>G on the coding strand, the complement: ABL2 is on the minus strand). VCF-style: chr1-179103593-T-C. GRCh37 (hg19) VCF-style: chr1-179072728-T-C.
Other names: c.*4125A>G (NM_001136000.3, NM_001168236.2, NM_001168237.2 and 3 more transcripts).
Identifiers: ClinVar variation 1291238 (VCV001291238.3), dbSNP rs3829794, ClinGen allele CA15085832.

ClinVar aggregate classification (germline): Benign. Review status: criteria provided, multiple submitters, no conflicts (2 of 4 stars). 2 submissions from 2 submitters: Benign (2). Last evaluated 2020-04-27.

Allele frequency attached by ClinVar (database versions not stated): TOPMed 0.49810; 1000 Genomes Project 30x 0.50344; 1000 Genomes Project 0.50799; gnomAD exomes 0.51825.
gnomAD v4.1: 112,282 of 220,114 alleles (51%); highest among the groups gnomAD compares: South Asian, 58%; 28,925 homozygotes.

Submissions (2):

GeneDx
Classification: Benign. Last evaluated: 2020-04-27. Review status: criteria provided, single submitter. Criteria: GeneDx Variant Classification Process June 2021. Collection method: clinical testing. Allele origin: germline. Affected: yes.
Comment: This variant is associated with the following publications: (PMID: 31747682)

Breakthrough Genomics
Classification: Benign. Review status: criteria provided, single submitter. Criteria: ACMG Guidelines, 2015. Collection method: not provided. Allele origin: germline. Inheritance: Unknown mechanism. Affected: yes.